The following is an entry in ClinVar:

ClinVar aggregate classification (germline): Benign/Likely benign. Review status: criteria provided, multiple submitters, no conflicts (2 of 4 stars). 5 submissions from 5 submitters: Benign (1); Likely benign (3). 1 of the submissions does not count toward it. Last evaluated 2026-02-01.

Conditions:
FASLG-related disorder. Also called: FASLG-related condition.
Autoimmune lymphoproliferative syndrome type 1. Also called: AUTOIMMUNE LYMPHOPROLIFERATIVE SYNDROME, TYPE I, AUTOSOMAL DOMINANT. Identifiers: Orphanet 3261, MedGen C2717884, MONDO:0011158, OMIM 601859.

Allele frequency attached by ClinVar (database versions not stated): 1000 Genomes Project 30x 0.00016; 1000 Genomes Project 0.00020; gnomAD exomes 0.00039 and 0.00086; ExAC 0.00040; TOPMed 0.00045; gnomAD 0.00050 and 0.00054; ESP Exome Variant Server 0.00069.
gnomAD v4.1: 1,308 of 1,613,982 alleles (0.081%); highest among the groups gnomAD compares: Non-Finnish European, 0.11%; 1 homozygote.

Submissions (5):

CeGaT Center for Human Genetics Tuebingen
Classification: Likely benign. Last evaluated: 2026-02-01. Review status: criteria provided, single submitter. Criteria: CeGaT Center For Human Genetics Tuebingen Variant Classification Criteria Version 2. Collection method: clinical testing. Allele origin: germline. Affected: yes. Observed: 2 variant alleles.
Comment: FASLG: BP4, BP7

Labcorp Genetics (formerly Invitae), Labcorp
Classification: Likely benign for Autoimmune lymphoproliferative syndrome. Last evaluated: 2026-01-18. Review status: criteria provided, single submitter. Criteria: Invitae Variant Classification Sherloc (09022015). Collection method: clinical testing. Allele origin: germline.

Blueprint Genetics
Classification: Likely benign. Last evaluated: 2024-11-25. Review status: criteria provided, single submitter. Criteria: ACMG Guidelines, 2015. Collection method: clinical testing. Allele origin: germline.

Illumina Laboratory Services, Illumina
Classification: Benign for Autoimmune lymphoproliferative syndrome type 1. Last evaluated: 2018-01-13. Review status: criteria provided, single submitter. Criteria: ICSL Variant Classification Criteria 13 December 2019. Collection method: clinical testing. Allele origin: germline.
Comment: This variant was observed in the ICSL laboratory as part of a predisposition screen in an ostensibly healthy population. It had not been previously curated by ICSL or reported in the Human Gene Mutation Database (HGMD: prior to June 1st, 2018), and was therefore a candidate for classification through an automated scoring system. Utilizing variant allele frequency, disease prevalence and penetrance estimates, and inheritance mode, an automated score was calculated to assess if this variant is too frequent to cause the disease. Based on the score and internal cut-off values, a variant classified as benign is not then subjected to further curation. The score for this variant resulted in a classification of benign for this disease.

PreventionGenetics, part of Exact Sciences
Classification: Likely benign for FASLG-related condition. Last evaluated: 2019-05-09. Review status: no assertion criteria provided. Collection method: clinical testing. Allele origin: germline. Not counted in ClinVar's aggregate classification.
Comment: This variant is classified as likely benign based on ACMG/AMP sequence variant interpretation guidelines (Richards et al. 2015 PMID: 25741868, with internal and published modifications).

NM_000639.3(FASLG):c.108G>A (p.Val36=)

Gene: FASLG (Fas ligand; plus strand). Cytogenetic location: 1q24.3.
Variant type: single nucleotide variant.
Coding change: c.108G>A on transcript NM_000639.3 (MANE Select); coding-DNA position 108, G replaced by A.
Protein change: p.Val36=; no amino-acid change (valine 36 retained).
Molecular consequence: synonymous variant.
Genome position (GRCh38, 1-based): chr1:172,659,309, G>A. VCF-style: chr1-172659309-G-A. GRCh37 (hg19) VCF-style: chr1-172628449-G-A.
Other names: c.108G>A, p.Val36= (NM_001302746.2).
Identifiers: ClinVar variation 293728 (VCV000293728.54), dbSNP rs140595317, ClinGen allele CA1247436.
Genomic context (GRCh38, chr1:172,659,309, plus strand): 5'-CAGCAGTGCCAGCTCTCCCTGGGCCCCTCCAGGCACAGTTCTTCCCTGTCCAACCTCTGT[G>A]CCCAGAAGGCCTGGTCAAAGGAGGCCACCACCACCACCGCCACCGCCACCACTACCACCT-3'
Protein context (NP_000630.1, residues 26-46): PGTVLPCPTS[Val36=]PRRPGQRRPP